The following is an entry in ClinVar:

NM_052947.4(ALPK2):c.167G>A (p.Gly56Asp)

Gene: ALPK2 (alpha kinase 2; minus strand). Cytogenetic location: 18q21.32.
Variant type: single nucleotide variant.
Coding change: c.167G>A on transcript NM_052947.4 (MANE Select); coding-DNA position 167, G replaced by A.
Protein change: p.Gly56Asp; replaces glycine 56 with aspartic acid.
Molecular consequence: missense variant.
Genome position (GRCh38, 1-based): chr18:58,607,382, C>T on the plus strand (G>A on the coding strand, the complement: ALPK2 is on the minus strand). VCF-style: chr18-58607382-C-T. GRCh37 (hg19) VCF-style: chr18-56274614-C-T.
Other names: short protein forms G56D.
Identifiers: ClinVar variation 1777875 (VCV001777875.2), dbSNP rs2518912948, ClinGen allele CA402556016.

ClinVar aggregate classification (germline): Uncertain significance (1 of 4 stars; one submission).

Submission:

Ambry Genetics
Classification: Uncertain significance. Last evaluated: 2022-06-08. Review status: criteria provided, single submitter. Criteria: Ambry Variant Classification Scheme 2023. Collection method: clinical testing. Allele origin: germline.
Comment: The p.G56D variant (also known as c.167G>A), located in coding exon 2 of the ALPK2 gene, results from a G to A substitution at nucleotide position 167. The glycine at codon 56 is replaced by aspartic acid, an amino acid with similar properties. This amino acid position is conserved. In addition, this alteration is predicted to be tolerated by in silico analysis. Since supporting evidence is limited at this time, the clinical significance of this alteration remains unclear.